The following is an entry in ClinVar:

NM_000254.3(MTR):c.3477C>T (p.Asp1159=)

Gene: MTR (5-methyltetrahydrofolate-homocysteine methyltransferase; plus strand). Cytogenetic location: 1q43.
Variant type: single nucleotide variant.
Coding change: c.3477C>T on transcript NM_000254.3 (MANE Select); coding-DNA position 3477, C replaced by T.
Protein change: p.Asp1159=; no amino-acid change (aspartic acid 1159 retained).
Molecular consequence: synonymous variant.
Genome position (GRCh38, 1-based): chr1:236,895,429, C>T. VCF-style: chr1-236895429-C-T. GRCh37 (hg19) VCF-style: chr1-237058729-C-T.
Other names: c.3324C>T, p.Asp1108= (NM_001291939.1); c.2256C>T, p.Asp752= (NM_001291940.2).
Identifiers: ClinVar variation 296577 (VCV000296577.16), dbSNP rs117061132, ClinGen allele CA1474711.

ClinVar aggregate classification (germline): Benign. Review status: criteria provided, multiple submitters, no conflicts (2 of 4 stars). 4 submissions from 4 submitters: Benign (4). Last evaluated 2026-02-01.

Conditions:
Disorders of Intracellular Cobalamin Metabolism. Identifiers: MedGen CN043592.
Methylcobalamin deficiency type cblG (HMAG). Also called: HOMOCYSTINURIA-MEGALOBLASTIC ANEMIA, cblG TYPE; HOMOCYSTINURIA-MEGALOBLASTIC ANEMIA DUE TO DEFECT IN COBALAMIN METABOLISM, cblG COMPLEMENTATION TYPE; HOMOCYSTINURIA-MEGALOBLASTIC ANEMIA, cblG COMPLEMENTATION TYPE; Functional methionine synthase deficiency type cblG. Identifiers: Orphanet 2170, Orphanet 622, MedGen C1855128, MONDO:0009609, OMIM 250940.

Allele frequency attached by ClinVar (database versions not stated): ESP Exome Variant Server 0.00015; gnomAD exomes 0.00098 and 0.00341; gnomAD 0.00106 and 0.00165; TOPMed 0.00161; ExAC 0.00502; 1000 Genomes Project 0.01178; 1000 Genomes Project 30x 0.01187.
gnomAD v4.1: 1,723 of 1,604,488 alleles (0.11%); highest among the groups gnomAD compares: East Asian, 3.3%; 38 homozygotes.

Submissions (4):

Labcorp Genetics (formerly Invitae), Labcorp
Classification: Benign for Methylcobalamin deficiency type cblG. Last evaluated: 2026-02-01. Review status: criteria provided, single submitter. Criteria: Invitae Variant Classification Sherloc (09022015). Collection method: clinical testing. Allele origin: germline.

Illumina Laboratory Services, Illumina
Classification: Benign for Disorders of Intracellular Cobalamin Metabolism. Last evaluated: 2018-01-13. Review status: criteria provided, single submitter. Criteria: ICSL Variant Classification Criteria 13 December 2019. Collection method: clinical testing. Allele origin: germline.
Comment: This variant was observed in the ICSL laboratory as part of a predisposition screen in an ostensibly healthy population. It had not been previously curated by ICSL or reported in the Human Gene Mutation Database (HGMD: prior to June 1st, 2018), and was therefore a candidate for classification through an automated scoring system. Utilizing variant allele frequency, disease prevalence and penetrance estimates, and inheritance mode, an automated score was calculated to assess if this variant is too frequent to cause the disease. Based on the score and internal cut-off values, a variant classified as benign is not then subjected to further curation. The score for this variant resulted in a classification of benign for this disease.

GeneDx
Classification: Benign. Last evaluated: 2016-11-30. Review status: criteria provided, single submitter. Criteria: GeneDx Variant Classification (06012015). Collection method: clinical testing. Allele origin: germline. Affected: yes.
Comment: This variant is considered likely benign or benign based on one or more of the following criteria: it is a conservative change, it occurs at a poorly conserved position in the protein, it is predicted to be benign by multiple in silico algorithms, and/or has population frequency not consistent with disease.

Breakthrough Genomics
Classification: Benign. Review status: criteria provided, single submitter. Criteria: ACMG Guidelines, 2015. Collection method: not provided. Allele origin: germline. Inheritance: Autosomal recessive inheritance. Affected: yes.